The following is an entry in ClinVar:

NM_206933.4(USH2A):c.566G>A (p.Arg189His)

Gene: USH2A (usherin; minus strand). Cytogenetic location: 1q41.
Variant type: single nucleotide variant.
Coding change: c.566G>A on transcript NM_206933.4 (MANE Select); coding-DNA position 566, G replaced by A.
Protein change: p.Arg189His; replaces arginine 189 with histidine.
Molecular consequence: missense variant.
Genome position (GRCh38, 1-based): chr1:216,418,599, C>T on the plus strand (G>A on the coding strand, the complement: USH2A is on the minus strand). VCF-style: chr1-216418599-C-T. GRCh37 (hg19) VCF-style: chr1-216591941-C-T.
Other names: c.566G>A, p.Arg189His (NM_007123.6); short protein forms R189H.
Identifiers: ClinVar variation 1035456 (VCV001035456.3), dbSNP rs747767544, ClinGen allele CA1396750.

ClinVar aggregate classification (germline): Uncertain significance. Review status: criteria provided, single submitter (1 of 4 stars). 2 submissions from 2 submitters: Uncertain significance (1). 1 of the submissions does not count toward it. Last evaluated 2022-10-01.

Conditions:
Usher syndrome type 2A. Also called: RETINAL DISEASE IN USHER SYNDROME TYPE IIA, MODIFIER OF; USHER SYNDROME, TYPE IIA. Identifiers: Orphanet 231178, Orphanet 886, MedGen C1848634, MONDO:0010169, OMIM 276901.

Allele frequency attached by ClinVar (database versions not stated): TOPMed 0.00002.
gnomAD v4.1: 27 of 1,613,098 alleles (0.0017%); highest among the groups gnomAD compares: East Asian, 0.0022%; no homozygotes.

Submissions (2):

Labcorp Genetics (formerly Invitae), Labcorp
Classification: Uncertain significance. Last evaluated: 2022-10-01. Review status: criteria provided, single submitter. Criteria: Invitae Variant Classification Sherloc (09022015). Collection method: clinical testing. Allele origin: germline.
Comment: This sequence change replaces arginine, which is basic and polar, with histidine, which is basic and polar, at codon 189 of the USH2A protein (p.Arg189His). This variant is present in population databases (rs747767544, gnomAD 0.006%). This variant has not been reported in the literature in individuals affected with USH2A-related conditions. ClinVar contains an entry for this variant (Variation ID: 1035456). Advanced modeling of protein sequence and biophysical properties (such as structural, functional, and spatial information, amino acid conservation, physicochemical variation, residue mobility, and thermodynamic stability) performed at Invitae indicates that this missense variant is not expected to disrupt USH2A protein function. In summary, the available evidence is currently insufficient to determine the role of this variant in disease. Therefore, it has been classified as a Variant of Uncertain Significance.

Natera, Inc.
Classification: Uncertain significance for Usher syndrome type 2A. Last evaluated: 2020-07-10. Review status: no assertion criteria provided. Collection method: clinical testing. Allele origin: germline. Not counted in ClinVar's aggregate classification.